The following is an entry in ClinVar:

NM_024665.7(TBL1XR1):c.1107C>T (p.Asp369=)

Genes: TBL1XR1-AS1 (TBL1XR1 antisense RNA 1; plus strand), TBL1XR1 (TBL1X/Y related 1; minus strand), LOC126806878 (CDK7 strongly-dependent group 2 enhancer GRCh37_chr3:176755168-176756367; plus strand). Cytogenetic location: 3q26.32.
Variant type: single nucleotide variant.
Coding change: c.1107C>T on transcript NM_024665.7 (MANE Select); coding-DNA position 1107, C replaced by T.
Protein change: p.Asp369=; no amino-acid change (aspartic acid 369 retained).
Molecular consequence: synonymous variant.
Genome position (GRCh38, 1-based): chr3:177,038,113, G>A on the plus strand (C>T on the coding strand, the complement: TBL1XR1 is on the minus strand). VCF-style: chr3-177038113-G-A. GRCh37 (hg19) VCF-style: chr3-176755901-G-A.
Other names: c.1107C>T (NM_024665.5); c.1107C>T, p.Asp369= (NM_001321193.3, NM_001321194.3, NM_001374327.1 and 2 more transcripts); c.846C>T, p.Asp282= (NM_001321195.3, NM_001374330.1).
Identifiers: ClinVar variation 2075108 (VCV002075108.6), dbSNP rs755923382, ClinGen allele CA2709837.

ClinVar aggregate classification (germline): Likely benign. Review status: criteria provided, single submitter (1 of 4 stars). 2 submissions from 2 submitters: Likely benign (1). 1 of the submissions does not count toward it. Last evaluated 2025-10-22.

Conditions:
TBL1XR1-related disorder. Also called: TBL1XR1-related condition; TBL1XR1-related disorders. Identifiers: MedGen CN382633, MONDO:1060313.
Pierpont syndrome (PRPTS). Identifiers: Orphanet 487825, MedGen C1865644, MONDO:0011213, OMIM 602342.

Allele frequency attached by ClinVar (database versions not stated): gnomAD 0.00001; gnomAD exomes 0.00002; TOPMed 0.00002; ExAC 0.00003.
gnomAD v4.1: 25 of 1,612,298 alleles (0.0016%); highest among the groups gnomAD compares: Middle Eastern, 0.02%; no homozygotes.

Submissions (2):

Labcorp Genetics (formerly Invitae), Labcorp
Classification: Likely benign for Pierpont syndrome. Last evaluated: 2025-10-22. Review status: criteria provided, single submitter. Criteria: Invitae Variant Classification Sherloc (09022015). Collection method: clinical testing. Allele origin: germline.

PreventionGenetics, part of Exact Sciences
Classification: Likely benign for TBL1XR1-related condition. Last evaluated: 2019-02-21. Review status: no assertion criteria provided. Collection method: clinical testing. Allele origin: germline. Not counted in ClinVar's aggregate classification.
Comment: This variant is classified as likely benign based on ACMG/AMP sequence variant interpretation guidelines (Richards et al. 2015 PMID: 25741868, with internal and published modifications).